The following is an entry in ClinVar:

NM_003000.3(SDHB):c.779G>A (p.Gly260Glu)

Gene: SDHB (succinate dehydrogenase complex iron sulfur subunit B; minus strand). Cytogenetic location: 1p36.13.
Variant type: single nucleotide variant.
Coding change: c.779G>A on transcript NM_003000.3 (MANE Select); coding-DNA position 779, G replaced by A.
Protein change: p.Gly260Glu; replaces glycine 260 with glutamic acid.
Molecular consequence: missense variant.
Genome position (GRCh38, 1-based): chr1:17,018,945, C>T on the plus strand (G>A on the coding strand, the complement: SDHB is on the minus strand). VCF-style: chr1-17018945-C-T. GRCh37 (hg19) VCF-style: chr1-17345440-C-T.
Other names: c.725G>A, p.Gly242Glu (NM_001407361.1); short protein forms G260E, G242E.
Identifiers: ClinVar variation 1924982 (VCV001924982.5), dbSNP rs2524995118, ClinGen allele CA338268992.
Genomic context (GRCh38, chr1:17,018,945, plus strand): 5'-ACTGAAGCTTTCTTCTCCTTATAGGTTGCCATCATTTTCTTGATCTCTGCAATAGCTTTC[C>T]CTGGATTCAGACCCTTGAAAAAAGAGAAAAGAATCAATAACAAATGATAACTGAAACTGA-3'
Protein context (NP_002991.2, residues 250-270): TRTCPKGLNP[Gly260Glu]KAIAEIKKMM

ClinVar aggregate classification (germline): Uncertain significance (1 of 4 stars; one submission).

Conditions:
Pheochromocytoma. Also called: MAX-Related Hereditary Paraganglioma-Pheochromocytoma Syndrome. Identifiers: Orphanet 29072, MedGen C0031511, MONDO:0008233, OMIM 171300, HP:0002666.
Gastrointestinal stromal tumor. Also called: Gastrointestinal stromal tumor, somatic; Gastrointestinal stroma tumor. Identifiers: Orphanet 44890, MedGen C0238198, MeSH D046152, MONDO:0011719, OMIM 606764, HP:0100723.
Pheochromocytoma/paraganglioma syndrome 4. Also called: SDHB-Related Hereditary Paraganglioma-Pheochromocytoma Syndrome (Paragangliomas 4); SDHB-Related Hereditary Paraganglioma-Pheochromocytoma Syndrome; CAROTID BODY TUMORS AND MULTIPLE EXTRAADRENAL PHEOCHROMOCYTOMAS; PARAGANGLIOMA, FAMILIAL MALIGNANT; PARAGANGLIOMAS, HEREDITARY EXTRAADRENAL; PHEOCHROMOCYTOMA, FAMILIAL EXTRAADRENAL. Identifiers: Orphanet 29072, MedGen C1861848, MONDO:0007273, OMIM 115310.

Submission:

Labcorp Genetics (formerly Invitae), Labcorp
Classification: Uncertain significance for Gastrointestinal stromal tumor; Pheochromocytoma/paraganglioma syndrome 4; Pheochromocytoma. Last evaluated: 2022-07-14. Review status: criteria provided, single submitter. Criteria: Invitae Variant Classification Sherloc (09022015). Collection method: clinical testing. Allele origin: germline.
Comment: This variant is not present in population databases (gnomAD no frequency). This sequence change replaces glycine, which is neutral and non-polar, with glutamic acid, which is acidic and polar, at codon 260 of the SDHB protein (p.Gly260Glu). This missense change has been observed in individual(s) with SDHB-related conditions (Invitae). Advanced modeling of protein sequence and biophysical properties (such as structural, functional, and spatial information, amino acid conservation, physicochemical variation, residue mobility, and thermodynamic stability) performed at Invitae indicates that this missense variant is expected to disrupt SDHB protein function. This variant disrupts the p.Gly260 amino acid residue in SDHB. Other variant(s) that disrupt this residue have been observed in individuals with SDHB-related conditions (PMID: 19351833, 31492822), which suggests that this may be a clinically significant amino acid residue. In summary, the available evidence is currently insufficient to determine the role of this variant in disease. Therefore, it has been classified as a Variant of Uncertain Significance.

Literature cited by the submitters: PubMed 19351833; PubMed 31492822.